The following is an entry in ClinVar:

NM_001371904.1(APOA5):c.848A>G (p.Gln283Arg)

Gene: APOA5 (apolipoprotein A5; minus strand). Cytogenetic location: 11q23.3.
Variant type: single nucleotide variant.
Coding change: c.848A>G on transcript NM_001371904.1 (MANE Select); coding-DNA position 848, A replaced by G.
Protein change: p.Gln283Arg; replaces glutamine 283 with arginine.
Molecular consequence: missense variant.
Genome position (GRCh38, 1-based): chr11:116,790,381, T>C on the plus strand (A>G on the coding strand, the complement: APOA5 is on the minus strand). VCF-style: chr11-116790381-T-C. GRCh37 (hg19) VCF-style: chr11-116661097-T-C.
Other names: c.848A>G, p.Gln283Arg (NM_001166598.2, NM_052968.5); short protein forms Q283R.
Identifiers: ClinVar variation 2959280 (VCV002959280.3), dbSNP rs140206085, ClinGen allele CA6288974.

ClinVar aggregate classification (germline): Uncertain significance (1 of 4 stars; one submission).

Allele frequency attached by ClinVar (database versions not stated): gnomAD 0.00001; ExAC 0.00003; gnomAD exomes 0.00004; ESP Exome Variant Server 0.00008; 1000 Genomes Project 0.00020; 1000 Genomes Project 30x 0.00031.

Submission:

Labcorp Genetics (formerly Invitae), Labcorp
Classification: Uncertain significance. Last evaluated: 2024-05-15. Review status: criteria provided, single submitter. Criteria: Invitae Variant Classification Sherloc (09022015). Collection method: clinical testing. Allele origin: germline.
Comment: This sequence change replaces glutamine, which is neutral and polar, with arginine, which is basic and polar, at codon 283 of the APOA5 protein (p.Gln283Arg). This variant is present in population databases (rs140206085, gnomAD 0.04%). This variant has not been reported in the literature in individuals affected with APOA5-related conditions. An algorithm developed to predict the effect of missense changes on protein structure and function (PolyPhen-2) suggests that this variant is likely to be tolerated. In summary, the available evidence is currently insufficient to determine the role of this variant in disease. Therefore, it has been classified as a Variant of Uncertain Significance.